The following is an entry in ClinVar:

ClinVar aggregate classification (germline): Likely benign. Review status: criteria provided, multiple submitters, no conflicts (2 of 4 stars). 2 submissions from 2 submitters: Likely benign (2). Last evaluated 2026-01-27.

Conditions:
Kabuki syndrome. Also called: Kabuki make-up syndrome; NIIKAWA-KUROKI SYNDROME. Identifiers: Orphanet 2322, MedGen C0796004, MONDO:0016512.

Allele frequency attached by ClinVar (database versions not stated): TOPMed 0.00003; gnomAD 0.00004 and 0.00005; gnomAD exomes 0.00007; ExAC 0.00011.
gnomAD v4.1: 111 of 1,591,806 alleles (0.007%); highest among the groups gnomAD compares: South Asian, 0.017%; 1 homozygote.

Submissions (2):

Labcorp Genetics (formerly Invitae), Labcorp
Classification: Likely benign for Kabuki syndrome. Last evaluated: 2026-01-27. Review status: criteria provided, single submitter. Criteria: Invitae Variant Classification Sherloc (09022015). Collection method: clinical testing. Allele origin: germline.

CeGaT Center for Human Genetics Tuebingen
Classification: Likely benign. Last evaluated: 2024-01-01. Review status: criteria provided, single submitter. Criteria: CeGaT Center For Human Genetics Tuebingen Variant Classification Criteria Version 2. Collection method: clinical testing. Allele origin: germline. Affected: yes. Observed: 3 variant alleles.
Comment: KMT2D: BP4, BP7

NM_003482.4(KMT2D):c.6399C>T (p.Ala2133=)

Gene: KMT2D (lysine methyltransferase 2D; minus strand). Cytogenetic location: 12q13.12.
Variant type: single nucleotide variant.
Coding change: c.6399C>T on transcript NM_003482.4 (MANE Select); coding-DNA position 6399, C replaced by T.
Protein change: p.Ala2133=; no amino-acid change (alanine 2133 retained).
Molecular consequence: synonymous variant.
Genome position (GRCh38, 1-based): chr12:49,041,371, G>A on the plus strand (C>T on the coding strand, the complement: KMT2D is on the minus strand). VCF-style: chr12-49041371-G-A. GRCh37 (hg19) VCF-style: chr12-49435154-G-A.
Identifiers: ClinVar variation 706592 (VCV000706592.30), dbSNP rs771111125, ClinGen allele CA6547276.